The following is an entry in ClinVar:

NM_001379500.1(COL18A1):c.2523_2549del (p.841PPG[1])

Gene: COL18A1 (collagen type XVIII alpha 1 chain; plus strand). Cytogenetic location: 21q22.3.
Variant type: Deletion.
Coding change: c.2523_2549del on transcript NM_001379500.1 (MANE Select); coding-DNA positions 2523 to 2549, 27 bases deleted (CCCAGGACCTCCAGGGCCCCCAGGCCC).
Protein change: p.841PPG[1].
Molecular consequence: inframe deletion.
Genome position (GRCh38, 1-based): chr21:45,496,514-45,496,540, CCCAGGACCTCCAGGGCCCCCAGGCCC deleted; deleting any 27 consecutive bases within chr21:45,496,509-45,496,540 gives the same sequence; the c. name uses the placement nearest the transcript's 3' end. VCF-style (leftmost placement, unchanged base first): chr21-45496508-CGGCCCCCCAGGACCTCCAGGGCCCCCA-C. GRCh37 (hg19) VCF-style: chr21-46916422-CGGCCCCCCAGGACCTCCAGGGCCCCCA-C.
Other names: c.3063_3089del, p.1021PPG[1] (NM_030582.4); c.3768_3794del, p.1256PPG[1] (NM_130444.3).
Identifiers: ClinVar variation 2088106 (VCV002088106.4), dbSNP rs1568928950, ClinGen allele CA638165028.

ClinVar aggregate classification (germline): Uncertain significance (1 of 4 stars; one submission).

Submission:

Labcorp Genetics (formerly Invitae), Labcorp
Classification: Uncertain significance. Last evaluated: 2022-01-19. Review status: criteria provided, single submitter. Criteria: Invitae Variant Classification Sherloc (09022015). Collection method: clinical testing. Allele origin: germline.
Comment: This variant, c.2523_2549del, results in the deletion of 9 amino acid(s) of the COL18A1 protein (p.Pro844_Gly852del), but otherwise preserves the integrity of the reading frame. This variant is present in population databases (no rsID available, gnomAD 0.003%). This variant has not been reported in the literature in individuals affected with COL18A1-related conditions. Experimental studies and prediction algorithms are not available or were not evaluated, and the functional significance of this variant is currently unknown. In summary, the available evidence is currently insufficient to determine the role of this variant in disease. Therefore, it has been classified as a Variant of Uncertain Significance.